The following is an entry in ClinVar:

ClinVar aggregate classification (germline): Uncertain significance (1 of 4 stars; one submission).

Allele frequency attached by ClinVar (database versions not stated): gnomAD 0.00001; gnomAD exomes 0.00001; TOPMed 0.00001.
gnomAD v4.1: 12 of 1,613,290 alleles (0.00074%); highest among the groups gnomAD compares: Admixed American, 0.0017%; no homozygotes.

Submission:

Labcorp Genetics (formerly Invitae), Labcorp
Classification: Uncertain significance. Last evaluated: 2022-09-09. Review status: criteria provided, single submitter. Criteria: Invitae Variant Classification Sherloc (09022015). Collection method: clinical testing. Allele origin: germline.
Comment: In summary, the available evidence is currently insufficient to determine the role of this variant in disease. Therefore, it has been classified as a Variant of Uncertain Significance. Algorithms developed to predict the effect of missense changes on protein structure and function are either unavailable or do not agree on the potential impact of this missense change (SIFT: "Deleterious"; PolyPhen-2: "Probably Damaging"; Align-GVGD: "Class C0"). This variant has not been reported in the literature in individuals affected with DSCAML1-related conditions. This variant is not present in population databases (gnomAD no frequency). This sequence change replaces proline, which is neutral and non-polar, with leucine, which is neutral and non-polar, at codon 497 of the DSCAML1 protein (p.Pro497Leu).

NM_020693.4(DSCAML1):c.1310C>T (p.Pro437Leu)

Gene: DSCAML1 (DS cell adhesion molecule like 1; minus strand). Cytogenetic location: 11q23.3.
Variant type: single nucleotide variant.
Coding change: c.1310C>T on transcript NM_020693.4 (MANE Select); coding-DNA position 1310, C replaced by T.
Protein change: p.Pro437Leu; replaces proline 437 with leucine.
Molecular consequence: missense variant.
Genome position (GRCh38, 1-based): chr11:117,518,666, G>A on the plus strand (C>T on the coding strand, the complement: DSCAML1 is on the minus strand). VCF-style: chr11-117518666-G-A. GRCh37 (hg19) VCF-style: chr11-117389381-G-A.
Other names: c.1310C>T, p.Pro437Leu (NM_001367904.1); c.902C>T, p.Pro301Leu (NM_001367905.1); short protein forms P437L, P301L.
Identifiers: ClinVar variation 2196991 (VCV002196991.4), dbSNP rs1337299507, ClinGen allele CA382745959.